The following is an entry in ClinVar:

NM_001042475.3(CEP85L):c.1306G>A (p.Val436Ile)

Gene: CEP85L (centrosomal protein 85 like; minus strand). Cytogenetic location: 6q22.31.
Variant type: single nucleotide variant.
Coding change: c.1306G>A on transcript NM_001042475.3 (MANE Select); coding-DNA position 1306, G replaced by A.
Protein change: p.Val436Ile; replaces valine 436 with isoleucine.
Molecular consequence: missense variant.
Genome position (GRCh38, 1-based): chr6:118,491,817, C>T on the plus strand (G>A on the coding strand, the complement: CEP85L is on the minus strand). VCF-style: chr6-118491817-C-T. GRCh37 (hg19) VCF-style: chr6-118812980-C-T.
Other names: c.1315G>A, p.Val439Ile (NM_001178035.2); c.1306G>A, p.Val436Ile (NM_206921.3); short protein forms V436I, V439I.
Identifiers: ClinVar variation 3051106 (VCV003051106.2), dbSNP rs148635510, ClinGen allele CA3977854.
Genomic context (GRCh38, chr6:118,491,817, plus strand): 5'-AAACTTCTTTCTCAGTAGATGCAAGCTTTTGCTCAAATTCCCCTTGTTGGGAATGGGAAA[C>T]TGATTCCTCTGAAAATGGTGTCTGGAGTGAAGTGTTCTCATATTGTGGCTGTTAGGAAAG-3'
Protein context (NP_001035940.1, residues 426-446): SLQTPFSEES[Val436Ile]SHSQQGEFEQ

ClinVar aggregate classification (germline): Likely benign (0 of 4 stars; one submission).

Conditions:
CEP85L-related disorder. Also called: CEP85L-related condition.

Allele frequency attached by ClinVar (database versions not stated): gnomAD exomes 0.00010; ExAC 0.00028; ESP Exome Variant Server 0.00062; gnomAD 0.00115; TOPMed 0.00128; 1000 Genomes Project 30x 0.00172; 1000 Genomes Project 0.00180.
gnomAD v4.1: 330 of 1,612,596 alleles (0.02%); highest among the groups gnomAD compares: African/African-American, 0.39%; 3 homozygotes.

Submission:

PreventionGenetics, part of Exact Sciences
Classification: Likely benign for CEP85L-related condition. Last evaluated: 2022-10-25. Review status: no assertion criteria provided. Collection method: clinical testing. Allele origin: germline.
Comment: This variant is classified as likely benign based on ACMG/AMP sequence variant interpretation guidelines (Richards et al. 2015 PMID: 25741868, with internal and published modifications).